The following is an entry in ClinVar:

NM_000551.4(VHL):c.480G>A (p.Glu160=)

Genes: VHL (von Hippel-Lindau tumor suppressor; plus strand), LOC107303340 (3p25 von Hippel-Lindau tumor suppressor, E3 ubiquitin protein ligase Alu-mediated recombination region; plus strand). Cytogenetic location: 3p25.3.
Variant type: single nucleotide variant.
Coding change: c.480G>A on transcript NM_000551.4 (MANE Select); coding-DNA position 480, G replaced by A.
Protein change: p.Glu160=; no amino-acid change (glutamic acid 160 retained).
Molecular consequence: synonymous variant. On other transcripts: 3 prime UTR variant (1), non-coding transcript variant (1).
Genome position (GRCh38, 1-based): chr3:10,149,803, G>A. VCF-style: chr3-10149803-G-A. GRCh37 (hg19) VCF-style: chr3-10191487-G-A.
Other names: c.*34G>A (NM_001354723.2); c.357G>A, p.Glu119= (NM_198156.3).
Identifiers: ClinVar variation 1743263 (VCV001743263.5), dbSNP rs2125130481, ClinGen allele CA432423138.

ClinVar aggregate classification (germline): Benign/Likely benign. Review status: criteria provided, multiple submitters, no conflicts (2 of 4 stars). 4 submissions from 4 submitters: Benign (1); Likely benign (3). Last evaluated 2025-12-21.

Conditions:
Von Hippel-Lindau syndrome (VHLS). Also called: Von Hippel-Lindau; von Hippel–Lindau syndrome; VHL syndrome. Identifiers: Orphanet 892, MedGen C0019562, MONDO:0008667, OMIM 193300. Disease mechanism: loss of function.
Chuvash polycythemia. Also called: POLYCYTHEMIA, VHL-DEPENDENT. Identifiers: Orphanet 238557, MedGen C1837915, MONDO:0009892, OMIM 263400.
Hereditary cancer-predisposing syndrome. Also called: Hereditary Cancer Syndrome; Hereditary neoplastic syndrome; Neoplastic Syndromes, Hereditary; Tumor predisposition. Identifiers: Orphanet 140162, MedGen C0027672, MeSH D009386, MONDO:0015356.

Submissions (4):

Labcorp Genetics (formerly Invitae), Labcorp
Classification: Likely benign for Von Hippel-Lindau syndrome; Chuvash polycythemia. Last evaluated: 2025-12-21. Review status: criteria provided, single submitter. Criteria: Invitae Variant Classification Sherloc (09022015). Collection method: clinical testing. Allele origin: germline.

Myriad Genetics, Inc.
Classification: Benign for Von Hippel-Lindau syndrome. Last evaluated: 2025-06-12. Review status: criteria provided, single submitter. Criteria: Myriad Autosomal Dominant, Autosomal Recessive and X-Linked Classification Criteria (2023). Collection method: clinical testing. Allele origin: unknown.
Comment: This variant is considered benign. This variant is a silent/synonymous amino acid change and it is not expected to impact splicing.

Blueprint Genetics
Classification: Likely benign. Last evaluated: 2023-09-04. Review status: criteria provided, single submitter. Criteria: ACMG Guidelines, 2015. Collection method: clinical testing. Allele origin: germline.

Ambry Genetics
Classification: Likely benign for Hereditary cancer-predisposing syndrome. Last evaluated: 2021-05-18. Review status: criteria provided, single submitter. Criteria: Ambry Variant Classification Scheme 2023. Collection method: clinical testing. Allele origin: germline.